The following is an entry in ClinVar:

ClinVar aggregate classification (germline): Pathogenic/Likely pathogenic. Review status: criteria provided, multiple submitters, no conflicts (2 of 4 stars). 3 submissions from 3 submitters: Pathogenic (2); Likely pathogenic (1). Last evaluated 2025-07-14.

Conditions:
Charcot-Marie-Tooth disease axonal type 2V. Also called: CHARCOT-MARIE-TOOTH NEUROPATHY, TYPE 2V; CHARCOT-MARIE-TOOTH DISEASE, AXONAL, AUTOSOMAL DOMINANT, TYPE 2V. Identifiers: Orphanet 447964, MedGen C5569050, MONDO:0014665, OMIM 616491.
Mucopolysaccharidosis, MPS-III-B (MPS3B). Also called: N-ACETYL-ALPHA-D-GLUCOSAMINIDASE DEFICIENCY; NAGLU DEFICIENCY; SANFILIPPO SYNDROME B; MPS III B; Mucopolysaccharidosis type IIIB (Sanfilippo B); MUCOPOLYSACCHARIDOSIS, TYPE IIIB. Identifiers: Orphanet 79270, MedGen C0086648, MONDO:0009656, OMIM 252920.

Submissions (3):

Myriad Genetics, Inc.
Classification: Pathogenic for Mucopolysaccharidosis, MPS-III-B. Last evaluated: 2025-07-14. Review status: criteria provided, single submitter. Criteria: Myriad Autosomal Dominant, Autosomal Recessive and X-Linked Classification Criteria (2023). Collection method: clinical testing. Allele origin: unknown.
Comment: NM_000263.3(NAGLU):c.2099delA(N700Mfs*107) is a frameshift variant that results in protein elongation classified as pathogenic in the context of mucopolysaccharidosis type IIIB. N700Mfs*107 has been observed in cases with relevant disease (PMID: 9832037, 10094189). Relevant functional assessments of this variant are not available in the literature. N700Mfs*107 has been observed in referenced population frequency databases. In summary, NM_000263.3(NAGLU):c.2099delA(N700Mfs*107) is a frameshift variant that results in protein elongation in a gene where loss of function is a known mechanism of disease, is predicted to disrupt protein function, and has been observed more frequently in cases with the relevant disease than in healthy populations. Please note: this variant was assessed in the context of healthy population screening.

Natera, Inc.
Classification: Likely pathogenic for Mucopolysaccharidosis type IIIB. Last evaluated: 2024-08-26. Review status: criteria provided, single submitter. Criteria: Natera Variant Classification Schema (03/2026). Collection method: clinical testing. Allele origin: germline.
Comment: The c.2099delA variant in NAGLU is a frameshift variant predicted to elongate the protein beyond the termination codon. This variant is expected to result in nonsense mediated decay, truncation, or a dysfunctional protein product. This variant is rare in the general population with a frequency below the threshold expected for the associated phenotype(s). This variant has been observed in one or more individuals affected with the associated recessive disease, as either homozygous or compound heterozygous with a second variant (PMID: 9832037). Given the available evidence, this variant is classified as Likely Pathogenic.

Labcorp Genetics (formerly Invitae), Labcorp
Classification: Pathogenic for Charcot-Marie-Tooth disease axonal type 2V; Mucopolysaccharidosis, MPS-III-B. Last evaluated: 2023-05-20. Review status: criteria provided, single submitter. Criteria: Invitae Variant Classification Sherloc (09022015). Collection method: clinical testing. Allele origin: germline.
Comment: For these reasons, this variant has been classified as Pathogenic. This variant disrupts a region of the NAGLU protein in which other variant(s) (p.Gln706*) have been determined to be pathogenic (PMID: 9443875, 29661560). This suggests that this is a clinically significant region of the protein, and that variants that disrupt it are likely to be disease-causing. This frameshift has been observed in individual(s) with mucopolysaccharidosis type III (PMID: 9832037). This variant is present in population databases (no rsID available, gnomAD 0.0009%). This sequence change results in a frameshift in the NAGLU gene (p.Asn700Metfs*107). While this is not anticipated to result in nonsense mediated decay, it is expected to disrupt the last 44 amino acid(s) of the NAGLU protein and extend the protein by 62 additional amino acid residues.

Literature cited by the submitters: PubMed 10094189 (cited by Myriad Genetics, Inc.); PubMed 9832037 (cited by 3 submitters); PubMed 9443875 (cited by Labcorp Genetics (formerly Invitae), Labcorp); PubMed 29661560 (cited by Labcorp Genetics (formerly Invitae), Labcorp).

NM_000263.4(NAGLU):c.2099del (p.Asn700fs)

Gene: NAGLU (N-acetyl-alpha-glucosaminidase; plus strand). Cytogenetic location: 17q21.2.
Variant type: Deletion.
Coding change: c.2099del on transcript NM_000263.4 (MANE Select); coding-DNA position 2099, one base deleted (A; older notation c.2099delA).
Protein change: p.Asn700fs; shifts the reading frame from asparagine 700.
Molecular consequence: frameshift variant.
Genome position (GRCh38, 1-based): chr17:42,544,105, A deleted; the last of 5 consecutive A bases (chr17:42,544,101-42,544,105); deleting any one gives the same sequence. VCF-style (leftmost placement, unchanged base first): chr17-42544100-CA-C. GRCh37 (hg19) VCF-style: chr17-40696118-CA-C.
Other names: c.2099delA (NM_000263.3); short protein forms N700fs.
Identifiers: ClinVar variation 2925622 (VCV002925622.5), dbSNP rs1383530983, ClinGen allele CA626218626.